The following is an entry in ClinVar:

ClinVar aggregate classification (germline): Uncertain significance (1 of 4 stars; one submission).

Submission:

GeneDx
Classification: Uncertain significance. Last evaluated: 2024-04-11. Review status: criteria provided, single submitter. Criteria: GeneDx Variant Classification Process June 2021. Collection method: clinical testing. Allele origin: germline. Affected: yes.
Comment: Not observed at significant frequency in large population cohorts (gnomAD); Frameshift variant predicted to result in protein truncation or nonsense mediated decay in a gene or region of a gene for which loss of function is not a well-established mechanism of disease; Has not been previously published as pathogenic or benign to our knowledge

NM_020774.4(MIB1):c.1249_1250dup (p.Gln417fs)

Gene: MIB1 (MIB E3 ubiquitin protein ligase 1; plus strand). Cytogenetic location: 18q11.2.
Variant type: Microsatellite.
Coding change: c.1249_1250dup on transcript NM_020774.4 (MANE Select); coding-DNA positions 1249 to 1250, 2 bases duplicated (CA; older notation c.1249_1250dupCA).
Protein change: p.Gln417fs; shifts the reading frame from glutamine 417.
Molecular consequence: frameshift variant.
Genome position (GRCh38, 1-based): chr18:21,799,852-21,799,853, CA duplicated; duplicating any 2 consecutive bases within chr18:21,799,850-21,799,853 gives the same sequence; the c. name uses the placement nearest the transcript's 3' end. VCF-style (leftmost placement, unchanged base first): chr18-21799849-T-TCA. GRCh37 (hg19) VCF-style: chr18-19379810-T-TCA.
Other names: c.1247_1248CA[3], p.Gln417Hisfs (NM_020774.3); c.1249_1250dup (NM_020774.3); short protein forms Q417fs.
Identifiers: ClinVar variation 3371645 (VCV003371645.1).